The following is an entry in ClinVar:

ClinVar aggregate classification (germline): Uncertain significance. Review status: criteria provided, multiple submitters, no conflicts (2 of 4 stars). 4 submissions from 4 submitters: Uncertain significance (4). Last evaluated 2025-04-12.

Conditions:
Cranioectodermal dysplasia 2 (CED2). Identifiers: Orphanet 1515, MedGen C3150874, MONDO:0013323, OMIM 613610.
Short-rib thoracic dysplasia 7 with or without polydactyly (SRTD7). Also called: Short rib polydactyly syndrome 5; SHORT-RIB THORACIC DYSPLASIA 7 WITH POLYDACTYLY. Identifiers: Orphanet 498497, Orphanet 93271, MedGen C3279792, MONDO:0013569, OMIM 614091.
Inborn genetic diseases. Identifiers: MedGen C0950123, MeSH D030342.

Allele frequency attached by ClinVar (database versions not stated): gnomAD 0.00001; gnomAD exomes 0.00001 and 0.00002; TOPMed 0.00002.
gnomAD v4.1: 29 of 1,613,072 alleles (0.0018%); highest among the groups gnomAD compares: Non-Finnish European, 0.0025%; no homozygotes.

Submissions (4):

Ambry Genetics
Classification: Uncertain significance for Inborn genetic diseases. Last evaluated: 2025-04-12. Review status: criteria provided, single submitter. Criteria: Ambry Variant Classification Scheme 2023. Collection method: clinical testing. Allele origin: germline.

Fulgent Genetics
Classification: Uncertain significance for Cranioectodermal dysplasia 2; Short-rib thoracic dysplasia 7 with or without polydactyly. Last evaluated: 2024-04-15. Review status: criteria provided, single submitter. Criteria: ACMG Guidelines, 2015. Collection method: clinical testing. Allele origin: germline.

Revvity Omics, Revvity
Classification: Uncertain significance. Last evaluated: 2023-01-24. Review status: criteria provided, single submitter. Criteria: ACMG Guidelines, 2015. Collection method: clinical testing. Allele origin: germline.

Labcorp Genetics (formerly Invitae), Labcorp
Classification: Uncertain significance for Cranioectodermal dysplasia 2; Short-rib thoracic dysplasia 7 with or without polydactyly. Last evaluated: 2022-07-05. Review status: criteria provided, single submitter. Criteria: Invitae Variant Classification Sherloc (09022015). Collection method: clinical testing. Allele origin: germline.
Comment: This sequence change replaces phenylalanine, which is neutral and non-polar, with serine, which is neutral and polar, at codon 406 of the WDR35 protein (p.Phe406Ser). In summary, the available evidence is currently insufficient to determine the role of this variant in disease. Therefore, it has been classified as a Variant of Uncertain Significance. Algorithms developed to predict the effect of sequence changes on RNA splicing suggest that this variant may create or strengthen a splice site. Algorithms developed to predict the effect of missense changes on protein structure and function (SIFT, PolyPhen-2, Align-GVGD) all suggest that this variant is likely to be tolerated. ClinVar contains an entry for this variant (Variation ID: 1055983). This variant has not been reported in the literature in individuals affected with WDR35-related conditions. This variant is present in population databases (no rsID available, gnomAD 0.003%).

NM_001006657.2(WDR35):c.1217T>C (p.Phe406Ser)

Gene: WDR35 (WD repeat domain 35; minus strand). Cytogenetic location: 2p24.1.
Variant type: single nucleotide variant.
Coding change: c.1217T>C on transcript NM_001006657.2 (MANE Plus Clinical); coding-DNA position 1217, T replaced by C.
Protein change: p.Phe406Ser; replaces phenylalanine 406 with serine.
Molecular consequence: missense variant. On other transcripts: intron variant (1).
Genome position (GRCh38, 1-based): chr2:19,962,305, A>G on the plus strand (T>C on the coding strand, the complement: WDR35 is on the minus strand). VCF-style: chr2-19962305-A-G. GRCh37 (hg19) VCF-style: chr2-20162066-A-G.
Other names: c.1195-1691T>C (NM_020779.4); c.1217T>C (NM_001006657.1); short protein forms F406S.
Identifiers: ClinVar variation 1055983 (VCV001055983.13), dbSNP rs971237623, ClinGen allele CA43417050.